The following is an entry in ClinVar:

ClinVar aggregate classification (germline): Conflicting classifications of pathogenicity. Review status: criteria provided, conflicting classifications (1 of 4 stars). 4 submissions from 4 submitters: Uncertain significance (3); Likely benign (1). Last evaluated 2026-04-20.

Conditions:
RBM20-related disorder. Also called: RBM20-related condition.
Cardiovascular phenotype. Identifiers: MedGen CN230736.
Dilated cardiomyopathy 1DD (CMD1DD). Identifiers: Orphanet 154, MedGen C2750995, MONDO:0013168, OMIM 613172.

Allele frequency attached by ClinVar (database versions not stated): gnomAD exomes 0.00001; gnomAD 0.00002; TOPMed 0.00002.
gnomAD v4.1: 33 of 1,551,228 alleles (0.0021%); highest among the groups gnomAD compares: Non-Finnish European, 0.0027%; no homozygotes.

Submissions (4):

PreventionGenetics, part of Exact Sciences
Classification: Uncertain significance for RBM20-related condition. Last evaluated: 2026-04-20. Review status: criteria provided, single submitter. Criteria: ACMG Guidelines, 2015. Collection method: clinical testing. Allele origin: germline.
Comment: The RBM20 c.2986G>T variant is predicted to result in the amino acid substitution p.Asp996Tyr. This variant has been reported in an individual with left ventricular noncompaction cardiomyopathy (Table S2, Mazzarotto et al. 2021. PubMed ID: 33500567). This variant has also been reported in an individual with long QT syndrome and palpitations (Table S1, Seidelmann et al. 2017. PubMed ID: 28087566; Abou Ziki et al. 2018. PubMed ID: 28407228). This variant is reported in 0.0033% of alleles in individuals of European (Non-Finnish) descent in gnomAD. At this time, the clinical significance of this variant is uncertain due to the absence of conclusive functional and genetic evidence.

Labcorp Genetics (formerly Invitae), Labcorp
Classification: Likely benign for Dilated cardiomyopathy 1DD. Last evaluated: 2025-12-16. Review status: criteria provided, single submitter. Criteria: Invitae Variant Classification Sherloc (09022015). Collection method: clinical testing. Allele origin: germline.

Ambry Genetics
Classification: Uncertain significance for Cardiovascular phenotype. Last evaluated: 2025-03-06. Review status: criteria provided, single submitter. Criteria: Ambry Variant Classification Scheme 2023. Collection method: clinical testing. Allele origin: germline.
Comment: The p.D996Y variant (also known as c.2986G>T), located in coding exon 11 of the RBM20 gene, results from a G to T substitution at nucleotide position 2986. The aspartic acid at codon 996 is replaced by tyrosine, an amino acid with highly dissimilar properties. This variant has been reported in a long QY syndrome cohort and a prolonged QT cohort (Seidelmann SB et al. Circ Cardiovasc Genet, 2017 Feb;10:; Abou Ziki MD et al. Clin Genet, 2018 Apr;93:741-751). This amino acid position is not well conserved in available vertebrate species. In addition, the in silico prediction for this alteration is inconclusive. Based on the available evidence, the clinical significance of this variant remains unclear.

GeneDx
Classification: Uncertain significance. Last evaluated: 2013-05-06. Review status: criteria provided, single submitter. Criteria: GeneDx Variant Classification (06012015). Collection method: clinical testing. Allele origin: germline. Affected: yes.
Comment: p.Asp996Tyr (GAC>TAC): c.2986 G>T in exon 11 of the RBM20 gene (NM_001134363.1). The Asp996Tyr variant in the RBM20 gene has not been reported as a disease-causing mutation or as a benign polymorphism to our knowledge. Asp996Tyr results in a non-conservative amino acid substitution of a negatively charged Aspartic acid residue with a large, neutral polar Tyrosine residue at a position that is conserved in mammals. In silico analysis predicts Asp996Tyr is probably damaging to the protein structure/function. Furthermore, the Asp996Tyr variant was not observed in approximately 2,300 individuals of European and African American ancestry in the NHLBI Exome Sequencing Project, indicating it is not a common benign variant in these populations. However, no mutations affecting nearby residues have been reported in association with DCM, indicating this region of the protein may be tolerant of change. With the clinical and molecular information available at this time, we cannot definitively determine if Asp996Tyr is a disease-causing mutation or a rare benign variant. The variant is found in DCM panel(s).

Literature cited by the submitters: PubMed 28087566 (cited by Ambry Genetics); PubMed 28407228 (cited by Ambry Genetics).

NM_001134363.3(RBM20):c.2986G>T (p.Asp996Tyr)

Gene: RBM20 (RNA binding motif protein 20; plus strand). Cytogenetic location: 10q25.2.
Variant type: single nucleotide variant.
Coding change: c.2986G>T on transcript NM_001134363.3 (MANE Select); coding-DNA position 2986, G replaced by T.
Protein change: p.Asp996Tyr; replaces aspartic acid 996 with tyrosine.
Molecular consequence: missense variant.
Genome position (GRCh38, 1-based): chr10:110,821,605, G>T. VCF-style: chr10-110821605-G-T. GRCh37 (hg19) VCF-style: chr10-112581363-G-T.
Other names: p.D996Y:GAC>TAC; c.2986G>T (LRG_382t1); short protein forms D996Y.
Identifiers: ClinVar variation 202072 (VCV000202072.9), dbSNP rs794729155, ClinGen allele CA335569.